The following is an entry in ClinVar:

NM_015072.5(TTLL5):c.75-6T>G

Gene: TTLL5 (tubulin tyrosine ligase like 5; plus strand). Cytogenetic location: 14q24.3.
Variant type: single nucleotide variant.
Coding change: c.75-6T>G on transcript NM_015072.5 (MANE Select); 6 bases into the intron before coding-DNA position 75, T replaced by G.
Molecular consequence: intron variant.
Genome position (GRCh38, 1-based): chr14:75,669,410, T>G. VCF-style: chr14-75669410-T-G. GRCh37 (hg19) VCF-style: chr14-76135753-T-G.
Identifiers: ClinVar variation 1013828 (VCV001013828.6), dbSNP rs759523095, ClinGen allele CA7278800.

ClinVar aggregate classification (germline): Uncertain significance (1 of 4 stars; one submission).

Allele frequency attached by ClinVar (database versions not stated): gnomAD exomes 0.00001; ExAC 0.00001.
gnomAD v4.1: 7 of 1,611,648 alleles (0.00043%); highest among the groups gnomAD compares: South Asian, 0.0066%; no homozygotes.

Submission:

Labcorp Genetics (formerly Invitae), Labcorp
Classification: Uncertain significance. Last evaluated: 2021-08-27. Review status: criteria provided, single submitter. Criteria: Invitae Variant Classification Sherloc (09022015). Collection method: clinical testing. Allele origin: germline.
Comment: This sequence change falls in intron 2 of the TTLL5 gene. It does not directly change the encoded amino acid sequence of the TTLL5 protein. This variant is present in population databases (rs759523095, ExAC 0.006%). This variant has not been reported in the literature in individuals affected with TTLL5-related conditions. Algorithms developed to predict the effect of sequence changes on RNA splicing suggest that this variant may disrupt the consensus splice site. In summary, the available evidence is currently insufficient to determine the role of this variant in disease. Therefore, it has been classified as a Variant of Uncertain Significance.